The following is an entry in ClinVar:

ClinVar aggregate classification (germline): Pathogenic (1 of 4 stars; one submission).

Conditions:
PGM1-congenital disorder of glycosylation. Also called: CDG It; PHOSPHOGLUCOMUTASE 1 DEFICIENCY; PGM1 DEFICIENCY; GLYCOGEN STORAGE DISEASE XIV; GSD XIV; Congenital disorder of glycosylation type 1t. Identifiers: Orphanet 319646, MedGen C2752015, MONDO:0013968, OMIM 614921.

Submission:

Labcorp Genetics (formerly Invitae), Labcorp
Classification: Pathogenic for PGM1-congenital disorder of glycosylation. Last evaluated: 2024-12-19. Review status: criteria provided, single submitter. Criteria: Invitae Variant Classification Sherloc (09022015). Collection method: clinical testing. Allele origin: germline.
Comment: This sequence change creates a premature translational stop signal (p.Glu475*) in the PGM1 gene. It is expected to result in an absent or disrupted protein product. Loss-of-function variants in PGM1 are known to be pathogenic (PMID: 22492991). This variant is not present in population databases (gnomAD no frequency). This variant has not been reported in the literature in individuals affected with PGM1-related conditions. For these reasons, this variant has been classified as Pathogenic.

Literature cited by the submitters: PubMed 22492991.

NM_002633.3(PGM1):c.1422dup (p.Glu475Ter)

Gene: PGM1 (phosphoglucomutase 1; plus strand). Cytogenetic location: 1p31.3.
Variant type: Duplication.
Coding change: c.1422dup on transcript NM_002633.3 (MANE Select); coding-DNA position 1422, one base duplicated (T; older notation c.1422dupT).
Protein change: p.Glu475Ter; replaces glutamic acid 475 with a stop codon.
Molecular consequence: nonsense.
Genome position (GRCh38, 1-based): chr1:63,651,810, T duplicated; the last of 3 consecutive T bases (chr1:63,651,808-63,651,810); duplicating any one gives the same sequence. VCF-style (leftmost placement, unchanged base first): chr1-63651807-C-CT. GRCh37 (hg19) VCF-style: chr1-64117478-C-CT.
Other names: c.1476dup, p.Glu493Ter (NM_001172818.1); c.831dup, p.Glu278Ter (NM_001172819.2); short protein forms E278*, E475*, E493*.
Identifiers: ClinVar variation 3727616 (VCV003727616.2).
Genomic context (GRCh38, chr1:63,651,807, plus strand): 5'-CTTTGTGGGGAAGCAGTTCTCAGCAAATGACAAAGTTTACACTGTGGAGAAGGCCGATAA[C>CT]TTTGAATACAGCGACCCAGTGGATGGAAGCATTTCAAGAAATCAGGTAGAAACAGACCGG-3'